The following is an entry in ClinVar:

NM_001378609.3(OTOGL):c.6204A>G (p.Gln2068=)

Gene: OTOGL (otogelin like; plus strand). Cytogenetic location: 12q21.31.
Variant type: single nucleotide variant.
Coding change: c.6204A>G on transcript NM_001378609.3 (MANE Select); coding-DNA position 6204, A replaced by G.
Protein change: p.Gln2068=; no amino-acid change (glutamine 2068 retained).
Molecular consequence: synonymous variant.
Genome position (GRCh38, 1-based): chr12:80,358,753, A>G. VCF-style: chr12-80358753-A-G. GRCh37 (hg19) VCF-style: chr12-80752533-A-G.
Other names: c.6069A>G, p.Gln2023= (NM_001368062.3); c.6204A>G, p.Gln2068= (NM_001378610.3, NM_173591.7).
Identifiers: ClinVar variation 226965 (VCV000226965.22), dbSNP rs35397172, ClinGen allele CA6701939.

ClinVar aggregate classification (germline): Benign. Review status: criteria provided, multiple submitters, no conflicts (2 of 4 stars). 6 submissions from 6 submitters: Benign (6). Last evaluated 2026-03-01.

Conditions:
OTOGL-related disorder. Also called: OTOGL-related condition.

Allele frequency attached by ClinVar (database versions not stated): gnomAD exomes 0.00039 and 0.00089; ExAC 0.00118; ESP Exome Variant Server 0.00361; gnomAD 0.00363 and 0.00388; TOPMed 0.00414; 1000 Genomes Project 0.00419; 1000 Genomes Project 30x 0.00422.
gnomAD v4.1: 1,154 of 1,610,840 alleles (0.072%); highest among the groups gnomAD compares: African/African-American, 1.3%; 17 homozygotes.

Submissions (6):

CeGaT Center for Human Genetics Tuebingen
Classification: Benign. Last evaluated: 2026-03-01. Review status: criteria provided, single submitter. Criteria: CeGaT Center For Human Genetics Tuebingen Variant Classification Criteria Version 2. Collection method: clinical testing. Allele origin: germline. Affected: yes. Observed: 1 variant allele.
Comment: OTOGL: PP3, BS1, BS2

Labcorp Genetics (formerly Invitae), Labcorp
Classification: Benign. Last evaluated: 2026-01-14. Review status: criteria provided, single submitter. Criteria: Invitae Variant Classification Sherloc (09022015). Collection method: clinical testing. Allele origin: germline.

PreventionGenetics, part of Exact Sciences
Classification: Benign for OTOGL-related condition. Last evaluated: 2025-08-07. Review status: criteria provided, single submitter. Criteria: ACMG Guidelines, 2015. Collection method: clinical testing. Allele origin: germline.
Comment: This variant is classified as benign based on ACMG/AMP sequence variant interpretation guidelines (Richards et al. 2015 PMID: 25741868, with internal and published modifications).

GeneDx
Classification: Benign. Last evaluated: 2020-08-28. Review status: criteria provided, single submitter. Criteria: GeneDx Variant Classification Process June 2021. Collection method: clinical testing. Allele origin: germline. Affected: yes.

Laboratory for Molecular Medicine, Mass General Brigham Personalized Medicine
Classification: Benign. Last evaluated: 2014-11-24. Review status: criteria provided, single submitter. Criteria: LMM Criteria. Collection method: clinical testing. Allele origin: germline. Observed: 3 variant alleles.
Comment: Gln2059Gln in exon 50 of OTOGL: This variant is not expected to have clinical si gnificance because it does not alter an amino acid residue and is not located wi thin the splice consensus sequence. It has been identified in 1.1% (47/4406) of African American chromosomes from a broad population by the NHLBI Exome Sequenci ng Project (dbSNP rs35397172).

Breakthrough Genomics
Classification: Benign. Review status: criteria provided, single submitter. Criteria: ACMG Guidelines, 2015. Collection method: not provided. Allele origin: germline. Inheritance: Autosomal recessive inheritance. Affected: yes.